The following is an entry in ClinVar:

NC_000012.11:g.(?_2797593)_(2800385_?)dup

Genes: CACNA1C (calcium voltage-gated channel subunit alpha1 C; plus strand), CACNA1C-AS1 (CACNA1C antisense RNA 1; minus strand). Cytogenetic location: 12p13.33.
Variant type: Duplication.
Identifiers: ClinVar variation 643710 (VCV000643710.1).

ClinVar aggregate classification (germline): Uncertain significance (1 of 4 stars; one submission).

Conditions:
Long QT syndrome (LQTS). Identifiers: MedGen C0023976, MeSH D008133, MONDO:0002442. Disease mechanism: loss of function. Inheritance: Various modes of inheritance.

Submission:

Labcorp Genetics (formerly Invitae), Labcorp
Classification: Uncertain significance for Long QT syndrome. Last evaluated: 2018-08-10. Review status: criteria provided, single submitter. Criteria: Invitae Variant Classification Sherloc (09022015). Collection method: clinical testing. Allele origin: germline.
Comment: This variant results in a copy number gain of the genomic region encompassing exons 46-47 of the CACNA1C gene. The 5' boundary is likely confined to intron 45. The 3' end of this event is unknown as it extends beyond the assayed region for this gene and therefore may encompass additional genes. As the precise location of this event is unknown, it may be in tandem or it may be located elsewhere in the genome. This variant has not been reported in the literature in individuals with CACNA1C-related disease. Experimental studies and prediction algorithms are not available for this variant, and the functional significance of the duplicated amino acid(s) is currently unknown. In summary, the available evidence is currently insufficient to determine the role of this variant in disease. Therefore, it has been classified as a Variant of Uncertain Significance.